The following is an entry in ClinVar:

ClinVar aggregate classification (germline): Uncertain significance (1 of 4 stars; one submission).

Conditions:
Duchenne muscular dystrophy (DMD). Also called: MUSCULAR DYSTROPHY, PSEUDOHYPERTROPHIC PROGRESSIVE, DUCHENNE TYPE; Duchenne Muscular Dystrophy (DMD). Identifiers: Orphanet 98896, MedGen C0013264, MONDO:0010679, OMIM 310200.

Submission:

Labcorp Genetics (formerly Invitae), Labcorp
Classification: Uncertain significance for Duchenne muscular dystrophy. Last evaluated: 2026-01-07. Review status: criteria provided, single submitter. Criteria: Invitae Variant Classification Sherloc (09022015). Collection method: clinical testing. Allele origin: germline.
Comment: This sequence change replaces lysine, which is basic and polar, with methionine, which is neutral and non-polar, at codon 2852 of the DMD protein (p.Lys2852Met). This variant is not present in population databases (gnomAD no frequency). This variant has not been reported in the literature in individuals affected with DMD-related conditions. Invitae Evidence Modeling of protein sequence and biophysical properties (such as structural, functional, and spatial information, amino acid conservation, physicochemical variation, residue mobility, and thermodynamic stability) indicates that this missense variant is not expected to disrupt DMD protein function with a negative predictive value of 95%. In summary, the available evidence is currently insufficient to determine the role of this variant in disease. Therefore, it has been classified as a Variant of Uncertain Significance.

NM_004006.3(DMD):c.8555A>T (p.Lys2852Met)

Gene: DMD (dystrophin; minus strand). Cytogenetic location: Xp21.2.
Variant type: single nucleotide variant.
Coding change: c.8555A>T on transcript NM_004006.3 (MANE Select); coding-DNA position 8555, A replaced by T.
Protein change: p.Lys2852Met; replaces lysine 2852 with methionine.
Molecular consequence: missense variant.
Genome position (GRCh38, 1-based): chrX:31,479,096, T>A on the plus strand (A>T on the coding strand, the complement: DMD is on the minus strand). VCF-style: chrX-31479096-T-A. GRCh37 (hg19) VCF-style: chrX-31497213-T-A.
Other names: c.8531A>T, p.Lys2844Met (NM_000109.4); c.8543A>T, p.Lys2848Met (NM_004009.3); c.8186A>T, p.Lys2729Met (NM_004010.3); c.4532A>T, p.Lys1511Met (NM_004011.4); c.4523A>T, p.Lys1508Met (NM_004012.4); c.1175A>T, p.Lys392Met (NM_004013.3, NM_004020.4, NM_004021.3 and 2 more transcripts); c.368A>T, p.Lys123Met (NM_004014.3); short protein forms K2848M, K2852M, K1508M, K123M, K1511M, K2729M, K2844M, K392M.
Identifiers: ClinVar variation 4705247 (VCV004705247.1).